The following is an entry in ClinVar:

ClinVar aggregate classification (germline): Uncertain significance (1 of 4 stars; one submission).

Allele frequency attached by ClinVar (database versions not stated): ExAC 0.00001; gnomAD exomes 0.00001; gnomAD 0.00002; TOPMed 0.00002.
gnomAD v4.1: 15 of 1,613,880 alleles (0.00093%); highest among the groups gnomAD compares: Admixed American, 0.005%; no homozygotes.

Submission:

Labcorp Genetics (formerly Invitae), Labcorp
Classification: Uncertain significance. Last evaluated: 2024-04-01. Review status: criteria provided, single submitter. Criteria: Invitae Variant Classification Sherloc (09022015). Collection method: clinical testing. Allele origin: germline.
Comment: This sequence change replaces arginine, which is basic and polar, with glutamine, which is neutral and polar, at codon 2288 of the ITPR1 protein (p.Arg2288Gln). This variant is present in population databases (rs779583916, gnomAD 0.006%). This variant has not been reported in the literature in individuals affected with ITPR1-related conditions. Advanced modeling of protein sequence and biophysical properties (such as structural, functional, and spatial information, amino acid conservation, physicochemical variation, residue mobility, and thermodynamic stability) has been performed at Invitae for this missense variant, however the output from this modeling did not meet the statistical confidence thresholds required to predict the impact of this variant on ITPR1 protein function. In summary, the available evidence is currently insufficient to determine the role of this variant in disease. Therefore, it has been classified as a Variant of Uncertain Significance.

NM_001378452.1(ITPR1):c.7052G>A (p.Arg2351Gln)

Gene: ITPR1 (inositol 1,4,5-trisphosphate receptor type 1; plus strand). Cytogenetic location: 3p26.1.
Variant type: single nucleotide variant.
Coding change: c.7052G>A on transcript NM_001378452.1 (MANE Select); coding-DNA position 7052, G replaced by A.
Protein change: p.Arg2351Gln; replaces arginine 2351 with glutamine.
Molecular consequence: missense variant.
Genome position (GRCh38, 1-based): chr3:4,800,545, G>A. VCF-style: chr3-4800545-G-A. GRCh37 (hg19) VCF-style: chr3-4842229-G-A.
Other names: c.6908G>A, p.Arg2303Gln (NM_001099952.4); c.7007G>A, p.Arg2336Gln (NM_001168272.2); c.6863G>A, p.Arg2288Gln (NM_002222.7); short protein forms R2351Q, R2288Q, R2303Q, R2336Q.
Identifiers: ClinVar variation 2906844 (VCV002906844.3), dbSNP rs779583916, ClinGen allele CA2232766.